The following is an entry in ClinVar:

ClinVar aggregate classification (germline): Uncertain significance. Review status: criteria provided, multiple submitters, no conflicts (2 of 4 stars). 2 submissions from 2 submitters: Uncertain significance (2). Last evaluated 2025-09-10.

Conditions:
Inborn genetic diseases. Identifiers: MedGen C0950123, MeSH D030342.

gnomAD v4.1: 38 of 1,613,034 alleles (0.0024%); highest among the groups gnomAD compares: South Asian, 0.039%; no homozygotes.

Submissions (2):

Labcorp Genetics (formerly Invitae), Labcorp
Classification: Uncertain significance. Last evaluated: 2025-09-10. Review status: criteria provided, single submitter. Criteria: Invitae Variant Classification Sherloc (09022015). Collection method: clinical testing. Allele origin: germline.
Comment: This sequence change replaces asparagine, which is neutral and polar, with lysine, which is basic and polar, at codon 1193 of the ANKRD26 protein (p.Asn1193Lys). This variant is present in population databases (rs749992417, gnomAD 0.04%), and has an allele count higher than expected for a pathogenic variant. This variant has not been reported in the literature in individuals affected with ANKRD26-related conditions. ClinVar contains an entry for this variant (Variation ID: 3396530). An algorithm developed to predict the effect of missense changes on protein structure and function (PolyPhen-2) suggests that this variant is likely to be disruptive. In summary, the available evidence is currently insufficient to determine the role of this variant in disease. Therefore, it has been classified as a Variant of Uncertain Significance.

Ambry Genetics
Classification: Uncertain significance for Inborn genetic diseases. Last evaluated: 2024-11-18. Review status: criteria provided, single submitter. Criteria: Ambry Variant Classification Scheme 2023. Collection method: clinical testing. Allele origin: germline.
Comment: The p.N1193K variant (also known as c.3579T>G), located in coding exon 24 of the ANKRD26 gene, results from a T to G substitution at nucleotide position 3579. The asparagine at codon 1193 is replaced by lysine, an amino acid with similar properties. This amino acid position is conserved. In addition, this alteration is predicted to be tolerated by in silico analysis. Based on the available evidence, the clinical significance of this variant remains unclear.

NM_014915.3(ANKRD26):c.3579T>G (p.Asn1193Lys)

Gene: ANKRD26 (ankyrin repeat domain 26; minus strand). Cytogenetic location: 10p12.1.
Variant type: single nucleotide variant.
Coding change: c.3579T>G on transcript NM_014915.3 (MANE Select); coding-DNA position 3579, T replaced by G.
Protein change: p.Asn1193Lys; replaces asparagine 1193 with lysine.
Molecular consequence: missense variant.
Genome position (GRCh38, 1-based): chr10:27,034,871, A>C on the plus strand (T>G on the coding strand, the complement: ANKRD26 is on the minus strand). VCF-style: chr10-27034871-A-C. GRCh37 (hg19) VCF-style: chr10-27323800-A-C.
Other names: c.3576T>G, p.Asn1192Lys (NM_001256053.2); short protein forms N1192K, N1193K.
Identifiers: ClinVar variation 3396530 (VCV003396530.2).